The following is an entry in ClinVar:

NM_000435.3(NOTCH3):c.3106C>T (p.Arg1036Ter)

Gene: NOTCH3 (notch receptor 3; minus strand). Cytogenetic location: 19p13.12.
Variant type: single nucleotide variant.
Coding change: c.3106C>T on transcript NM_000435.3 (MANE Select); coding-DNA position 3106, C replaced by T.
Protein change: p.Arg1036Ter; replaces arginine 1036 with a stop codon.
Molecular consequence: nonsense.
Genome position (GRCh38, 1-based): chr19:15,180,717, G>A on the plus strand (C>T on the coding strand, the complement: NOTCH3 is on the minus strand). VCF-style: chr19-15180717-G-A. GRCh37 (hg19) VCF-style: chr19-15291528-G-A.
Other names: short protein forms R1036*.
Identifiers: ClinVar variation 3351050 (VCV003351050.1).

ClinVar aggregate classification (germline): Likely pathogenic (0 of 4 stars; one submission).

Conditions:
NOTCH3-related disorder. Also called: NOTCH3-related disorders; NOTCH3-related condition.

Submission:

PreventionGenetics, part of Exact Sciences
Classification: Likely pathogenic for NOTCH3-related condition. Last evaluated: 2024-09-12. Review status: no assertion criteria provided. Collection method: clinical testing. Allele origin: germline.
Comment: The NOTCH3 c.3106C>T variant is predicted to result in premature protein termination (p.Arg1036*). To our knowledge, this variant has not been reported in the literature or in a large population database, indicating this variant is rare. Nonsense variants in NOTCH3 are expected to be pathogenic. This variant is interpreted as likely pathogenic.